The following is an entry in ClinVar:

ClinVar aggregate classification (germline): Likely pathogenic (1 of 4 stars; one submission).

Submission:

GeneDx
Classification: Likely pathogenic. Last evaluated: 2024-12-27. Review status: criteria provided, single submitter. Criteria: GeneDx Variant Classification Process June 2021. Collection method: clinical testing. Allele origin: germline. Affected: yes.
Comment: Nonsense variant in the C-terminus predicted to result in protein truncation, as the last 100 amino acids are lost; Not observed in large population cohorts (gnomAD); This variant is associated with the following publications: (PMID: 34004602)

NM_002948.5(RPL15):c.313C>T (p.Arg105Ter)

Genes: NKIRAS1 (NFKB inhibitor interacting Ras like 1; minus strand), RPL15 (ribosomal protein L15; plus strand). Cytogenetic location: 3p24.2.
Variant type: single nucleotide variant.
Coding change: c.313C>T on transcript NM_002948.5 (MANE Select); coding-DNA position 313, C replaced by T.
Protein change: p.Arg105Ter; replaces arginine 105 with a stop codon.
Molecular consequence: nonsense. On other transcripts: intron variant (1).
Genome position (GRCh38, 1-based): chr3:23,919,199, C>T. VCF-style: chr3-23919199-C-T. GRCh37 (hg19) VCF-style: chr3-23960690-C-T.
Other names: c.313C>T, p.Arg105Ter (NM_001253379.2, NM_001253380.2, NM_001253382.2 and 2 more transcripts); c.-139-7749G>A (NM_001377380.1); short protein forms R105*.
Identifiers: ClinVar variation 3907760 (VCV003907760.1).